The following is an entry in ClinVar:

NM_005006.7(NDUFS1):c.1363A>G (p.Ile455Val)

Gene: NDUFS1 (NADH:ubiquinone oxidoreductase core subunit S1; minus strand). Cytogenetic location: 2q33.3.
Variant type: single nucleotide variant.
Coding change: c.1363A>G on transcript NM_005006.7 (MANE Select); coding-DNA position 1363, A replaced by G.
Protein change: p.Ile455Val; replaces isoleucine 455 with valine.
Molecular consequence: missense variant.
Genome position (GRCh38, 1-based): chr2:206,138,514, T>C on the plus strand (A>G on the coding strand, the complement: NDUFS1 is on the minus strand). VCF-style: chr2-206138514-T-C. GRCh37 (hg19) VCF-style: chr2-207003238-T-C.
Other names: c.1255A>G, p.Ile419Val (NM_001199981.2); c.1030A>G, p.Ile344Val (NM_001199982.2); c.1192A>G, p.Ile398Val (NM_001199983.2); c.1405A>G, p.Ile469Val (NM_001199984.2); c.1363A>G (NM_005006.5); short protein forms I455V, I398V, I469V, I344V, I419V.
Identifiers: ClinVar variation 333783 (VCV000333783.6), dbSNP rs758095913, ClinGen allele CA2070480.

ClinVar aggregate classification (germline): Uncertain significance. Review status: criteria provided, multiple submitters, no conflicts (2 of 4 stars). 3 submissions from 2 submitters: Uncertain significance (3). Last evaluated 2024-06-06.

Conditions:
Mitochondrial complex I deficiency, nuclear type 1. Also called: NADH-COENZYME Q REDUCTASE DEFICIENCY; MITOCHONDRIAL NADH DEHYDROGENASE COMPONENT OF COMPLEX I, DEFICIENCY OF. Identifiers: MedGen C6022305, MONDO:0100224, OMIM 252010.
Leigh syndrome (NULS). Also called: Leigh's syndrome; Leigh Syndrome (mtDNA deletion); Leigh Disease; Leigh's necrotizing encephalopathy; Leigh's disease; Subacute necrotizing encephalopathy. Identifiers: Orphanet 506, MedGen C2931891, MONDO:0009723, OMIM 256000.

Allele frequency attached by ClinVar (database versions not stated): ExAC 0.00001; gnomAD 0.00001; gnomAD exomes 0.00001; TOPMed 0.00001.
gnomAD v4.1: 24 of 1,613,980 alleles (0.0015%); highest among the groups gnomAD compares: Non-Finnish European, 0.0019%; no homozygotes.

Submissions (3):

GeneDx
Classification: Uncertain significance. Last evaluated: 2024-06-06. Review status: criteria provided, single submitter. Criteria: GeneDx Variant Classification Process June 2021. Collection method: clinical testing. Allele origin: germline. Affected: yes.
Comment: Not observed at significant frequency in large population cohorts (gnomAD); In silico analysis indicates that this missense variant does not alter protein structure/function; Has not been previously published as pathogenic or benign to our knowledge

Illumina Laboratory Services, Illumina
Classification: Uncertain significance for Mitochondrial complex I deficiency, nuclear type 1. Last evaluated: 2018-01-13. Review status: criteria provided, single submitter. Criteria: ICSL Variant Classification Criteria 13 December 2019. Collection method: clinical testing. Allele origin: germline.

Illumina Laboratory Services, Illumina
Classification: Uncertain significance for Leigh syndrome. Last evaluated: 2018-01-13. Review status: criteria provided, single submitter. Criteria: ICSL Variant Classification Criteria 13 December 2019. Collection method: clinical testing. Allele origin: germline.